The following is an entry in ClinVar:

ClinVar aggregate classification (germline): Uncertain significance (1 of 4 stars; one submission).

Submission:

Labcorp Genetics (formerly Invitae), Labcorp
Classification: Uncertain significance. Last evaluated: 2024-02-24. Review status: criteria provided, single submitter. Criteria: Invitae Variant Classification Sherloc (09022015). Collection method: clinical testing. Allele origin: germline.
Comment: This sequence change replaces methionine, which is neutral and non-polar, with isoleucine, which is neutral and non-polar, at codon 870 of the SCN3A protein (p.Met870Ile). This variant is not present in population databases (gnomAD no frequency). This variant has not been reported in the literature in individuals affected with SCN3A-related conditions. ClinVar contains an entry for this variant (Variation ID: 1036417). Advanced modeling of protein sequence and biophysical properties (such as structural, functional, and spatial information, amino acid conservation, physicochemical variation, residue mobility, and thermodynamic stability) has been performed at Invitae for this missense variant, however the output from this modeling did not meet the statistical confidence thresholds required to predict the impact of this variant on SCN3A protein function. In summary, the available evidence is currently insufficient to determine the role of this variant in disease. Therefore, it has been classified as a Variant of Uncertain Significance.

NM_006922.4(SCN3A):c.2610G>T (p.Met870Ile)

Gene: SCN3A (sodium voltage-gated channel alpha subunit 3; minus strand). Cytogenetic location: 2q24.3.
Variant type: single nucleotide variant.
Coding change: c.2610G>T on transcript NM_006922.4 (MANE Select); coding-DNA position 2610, G replaced by T.
Protein change: p.Met870Ile; replaces methionine 870 with isoleucine.
Molecular consequence: missense variant.
Genome position (GRCh38, 1-based): chr2:165,130,252, C>A on the plus strand (G>T on the coding strand, the complement: SCN3A is on the minus strand). VCF-style: chr2-165130252-C-A. GRCh37 (hg19) VCF-style: chr2-165986762-C-A.
Other names: c.2463G>T, p.Met821Ile (NM_001081676.2, NM_001081677.2); short protein forms M870I, M821I.
Identifiers: ClinVar variation 1036417 (VCV001036417.8), dbSNP rs1687231823, ClinGen allele CA349042927.
Genomic context (GRCh38, chr2:165,130,252, plus strand): 5'-GGCCAACACCAAGGTGAGGTTTCCTAGAGCCCCCACAGAATTGCCAATGATCTTAATTAG[C>A]ATATTTAGTGTGGGCCAGGATTTTGCCAACTTGAAAACTCTAAGCTGTAATCAAGTGAAA-3'
Protein context (NP_008853.3, residues 860-880): KLAKSWPTLN[Met870Ile]LIKIIGNSVG